The following is an entry in ClinVar:

ClinVar aggregate classification (germline): Likely benign (1 of 4 stars; one submission).

Allele frequency attached by ClinVar (database versions not stated): 1000 Genomes Project 0.00359; 1000 Genomes Project 30x 0.00422.
gnomAD v4.1: 1,027 of 150,096 alleles (0.68%); highest among the groups gnomAD compares: Non-Finnish European, 0.93%; 44 homozygotes.

Submission:

CeGaT Center for Human Genetics Tuebingen
Classification: Likely benign. Last evaluated: 2023-04-01. Review status: criteria provided, single submitter. Criteria: CeGaT Center For Human Genetics Tuebingen Variant Classification Criteria Version 2. Collection method: clinical testing. Allele origin: germline. Affected: yes. Observed: 2 variant alleles.
Comment: PRAMEF2: BS2

NM_023014.1(PRAMEF2):c.866+363G>C

Gene: PRAMEF2 (PRAME family member 2; plus strand). Cytogenetic location: 1p36.21.
Variant type: single nucleotide variant.
Coding change: c.866+363G>C on transcript NM_023014.1 (MANE Select); 363 bases into the intron after coding-DNA position 866, G replaced by C.
Molecular consequence: intron variant.
Genome position (GRCh38, 1-based): chr1:12,860,634, G>C. VCF-style: chr1-12860634-G-C. GRCh37 (hg19) VCF-style: chr1-12920489-G-C.
Identifiers: ClinVar variation 2638270 (VCV002638270.24), dbSNP rs199604441, ClinGen allele CA18126666.